The following is an entry in ClinVar:

ClinVar aggregate classification (germline): Benign (1 of 4 stars; one submission).

Conditions:
Retinitis pigmentosa (RP). Identifiers: Orphanet 791, MedGen C0035334, MeSH D012174, MONDO:0019200, OMIM 268000. Inheritance: Autosomal dominant, autosomal recessive and X linked inheritance.

Allele frequency attached by ClinVar (database versions not stated): 1000 Genomes Project 30x 0.01999; gnomAD exomes 0.00178; gnomAD 0.01494 and 0.01608; TOPMed 0.01660; 1000 Genomes Project 0.01757.

Submission:

Illumina Laboratory Services, Illumina
Classification: Benign for Retinitis pigmentosa. Last evaluated: 2018-01-12. Review status: criteria provided, single submitter. Criteria: ICSL Variant Classification Criteria 13 December 2019. Collection method: clinical testing. Allele origin: germline.
Comment: This variant was observed in the ICSL laboratory as part of a predisposition screen in an ostensibly healthy population. It had not been previously curated by ICSL or reported in the Human Gene Mutation Database (HGMD: prior to June 1st, 2018), and was therefore a candidate for classification through an automated scoring system. Utilizing variant allele frequency, disease prevalence and penetrance estimates, and inheritance mode, an automated score was calculated to assess if this variant is too frequent to cause the disease. Based on the score and internal cut-off values, a variant classified as benign is not then subjected to further curation. The score for this variant resulted in a classification of benign for this disease.

NM_002098.6(GUCA1B):c.*295G>A

Gene: GUCA1B (guanylate cyclase activator 1B; minus strand). Cytogenetic location: 6p21.1.
Variant type: single nucleotide variant.
Coding change: c.*295G>A on transcript NM_002098.6 (MANE Select); 295 bases downstream of the stop codon, G replaced by A.
Molecular consequence: 3 prime UTR variant.
Genome position (GRCh38, 1-based): chr6:42,184,520, C>T on the plus strand (G>A on the coding strand, the complement: GUCA1B is on the minus strand). VCF-style: chr6-42184520-C-T. GRCh37 (hg19) VCF-style: chr6-42152258-C-T.
Identifiers: ClinVar variation 356727 (VCV000356727.6), dbSNP rs73733110, ClinGen allele CA10626830.
Genomic context (GRCh38, chr6:42,184,520, plus strand): 5'-CTGATTTGGTCTGTGGGACCCTCACCCCTCAGTTGGCTCTTGCTTCCAACTGAGAACACC[C>T]AGAAACTGTGGGAGCCCCACAACCACCCAGCCAAGGCACAGTCCTCCCAGGAGCGGCTGA-3'